The following is an entry in ClinVar:

ClinVar aggregate classification (germline): Uncertain significance (1 of 4 stars; one submission).

Conditions:
Neuropathy, hereditary sensory, type 2C. Also called: Hereditary sensory and autonomic neuropathy type IIC; KIF1A-Related HSAN2 (HSAN2C). Identifiers: Orphanet 970, MedGen C3280168, MONDO:0013634, OMIM 614213.
Intellectual disability, autosomal dominant 9 (NESCAVS). Also called: NESCAV SYNDROME; KIF1A-Related Neurodevelopmental Disorder. Identifiers: Orphanet 662367, MedGen C5393830, MONDO:0013656, OMIM 614255.
Hereditary spastic paraplegia 30. Identifiers: Orphanet 101010, MedGen C5235139, MONDO:0012476.

Allele frequency attached by ClinVar (database versions not stated): gnomAD exomes below 0.00001.
gnomAD v4.1: 1 of 1,605,926 alleles (0.000062%); highest among the groups gnomAD compares: Non-Finnish European, 0.000085%; no homozygotes.

Submission:

Labcorp Genetics (formerly Invitae), Labcorp
Classification: Uncertain significance for Hereditary spastic paraplegia 30; Neuropathy, hereditary sensory, type 2C; Intellectual disability, autosomal dominant 9. Last evaluated: 2024-01-19. Review status: criteria provided, single submitter. Criteria: Invitae Variant Classification Sherloc (09022015). Collection method: clinical testing. Allele origin: germline.
Comment: This sequence change replaces phenylalanine, which is neutral and non-polar, with serine, which is neutral and polar, at codon 1240 of the KIF1A protein (p.Phe1240Ser). This variant is not present in population databases (gnomAD no frequency). This variant has not been reported in the literature in individuals affected with KIF1A-related conditions. ClinVar contains an entry for this variant (Variation ID: 464243). Advanced modeling of protein sequence and biophysical properties (such as structural, functional, and spatial information, amino acid conservation, physicochemical variation, residue mobility, and thermodynamic stability) performed at Invitae indicates that this missense variant is not expected to disrupt KIF1A protein function with a negative predictive value of 95%. In summary, the available evidence is currently insufficient to determine the role of this variant in disease. Therefore, it has been classified as a Variant of Uncertain Significance.

NM_001244008.2(KIF1A):c.4022T>C (p.Phe1341Ser)

Gene: KIF1A (kinesin family member 1A; minus strand). Cytogenetic location: 2q37.3.
Variant type: single nucleotide variant.
Coding change: c.4022T>C on transcript NM_001244008.2 (MANE Select); coding-DNA position 4022, T replaced by C.
Protein change: p.Phe1341Ser; replaces phenylalanine 1341 with serine.
Molecular consequence: missense variant.
Genome position (GRCh38, 1-based): chr2:240,726,926, A>G on the plus strand (T>C on the coding strand, the complement: KIF1A is on the minus strand). VCF-style: chr2-240726926-A-G. GRCh37 (hg19) VCF-style: chr2-241666343-A-G.
Other names: c.3746T>C, p.Phe1249Ser (NM_001320705.2, NM_001379649.1); c.3773T>C, p.Phe1258Ser (NM_001330289.2); c.3821T>C, p.Phe1274Ser (NM_001330290.2, NM_001379648.1); c.4097T>C, p.Phe1366Ser (NM_001379631.1); c.3998T>C, p.Phe1333Ser (NM_001379632.1); c.3995T>C, p.Phe1332Ser (NM_001379633.1, NM_001379645.1); c.3848T>C, p.Phe1283Ser (NM_001379634.1); c.3845T>C, p.Phe1282Ser (NM_001379635.1, NM_001379646.1); and 7 more; short protein forms F1341S, F1240S, F1249S, F1258S, F1274S, F1239S, F1248S, F1257S.
Identifiers: ClinVar variation 464243 (VCV000464243.9), dbSNP rs1553626083, ClinGen allele CA351309746.